The following is an entry in ClinVar:

ClinVar aggregate classification (germline): Pathogenic (1 of 4 stars; one submission).

Conditions:
Hereditary cancer-predisposing syndrome. Also called: Tumor predisposition; Neoplastic Syndromes, Hereditary; Hereditary Cancer Syndrome; Hereditary neoplastic syndrome. Identifiers: Orphanet 140162, MedGen C0027672, MeSH D009386, MONDO:0015356.

Submission:

Ambry Genetics
Classification: Pathogenic for Hereditary cancer-predisposing syndrome. Last evaluated: 2024-09-30. Review status: criteria provided, single submitter. Criteria: Ambry Variant Classification Scheme 2023. Collection method: clinical testing. Allele origin: germline.
Comment: The c.935_936delAA pathogenic mutation, located in coding exon 8 of the CHEK2 gene, results from a deletion of two nucleotides at nucleotide positions 935 to 936, causing a translational frameshift with a predicted alternate stop codon (p.K312Sfs*5). This variant was observed in a study of 1010 unrelated Indian patients who underwent testing for an indication of breast and/or ovarian cancers (Singh J et al. Breast Cancer Res Treat, 2018 Jul;170:189-196). This variant is considered to be rare based on population cohorts in the Genome Aggregation Database (gnomAD). This alteration is expected to result in loss of function by premature protein truncation or nonsense-mediated mRNA decay. As such, this alteration is interpreted as a disease-causing mutation.

Literature cited by the submitters: PubMed 29470806.

NM_007194.4(CHEK2):c.935_936del (p.Lys312fs)

Gene: CHEK2 (checkpoint kinase 2; minus strand). Cytogenetic location: 22q12.1.
Variant type: Deletion.
Coding change: c.935_936del on transcript NM_007194.4 (MANE Select); coding-DNA positions 935 to 936, 2 bases deleted (AA; older notation c.935_936delAA).
Protein change: p.Lys312fs; shifts the reading frame from lysine 312.
Molecular consequence: frameshift variant.
Genome position (GRCh38, 1-based): chr22:28,699,910-28,699,911, TT deleted on the plus strand (AA on the coding strand, the reverse complement: CHEK2 is on the minus strand); deleting any 2 consecutive bases within chr22:28,699,910-28,699,912 gives the same sequence; the c. name uses the placement nearest the transcript's 3' end. VCF-style (leftmost placement, unchanged base first): chr22-28699909-CTT-C. GRCh37 (hg19) VCF-style: chr22-29095897-CTT-C.
Other names: c.1063_1064delAA, p.Lys355Serfs (NM_001005735.3); c.271_272delAA, p.Lys91Serfs (NM_001257387.3); c.733_734delAA, p.Lys245Serfs (NM_001349956.3); c.934_935delAA, p.Lys312Serfs (NM_145862.3); short protein forms K355fs, K312fs, K245fs, K91fs.
Identifiers: ClinVar variation 3492191 (VCV003492191.1).